The following is an entry in ClinVar:

ClinVar aggregate classification (germline): Benign/Likely benign. Review status: criteria provided, multiple submitters, no conflicts (2 of 4 stars). 11 submissions from 11 submitters: Benign (6); Likely benign (1). 4 of the submissions do not count toward it. Last evaluated 2026-02-03.

Conditions:
Monogenic diabetes. Identifiers: Orphanet 183625, MedGen C3888631, MONDO:0015967.
GATA6-related disorder. Also called: GATA6-related condition.
Atrioventricular septal defect 5 (AVSD5). Identifiers: MedGen C3280939, MONDO:0013769, OMIM 614474.

Allele frequency attached by ClinVar (database versions not stated): gnomAD 0.02238; TOPMed 0.02734; 1000 Genomes Project 0.03355; 1000 Genomes Project 30x 0.03545; ESP Exome Variant Server 0.02131.

Submissions (11):

Labcorp Genetics (formerly Invitae), Labcorp
Classification: Benign for Atrioventricular septal defect 5. Last evaluated: 2026-02-03. Review status: criteria provided, single submitter. Criteria: Invitae Variant Classification Sherloc (09022015). Collection method: clinical testing. Allele origin: germline.

ARUP Laboratories, Molecular Genetics and Genomics, ARUP Laboratories
Classification: Benign. Last evaluated: 2025-06-08. Review status: criteria provided, single submitter. Criteria: ARUP Molecular Germline Variant Investigation Process 2024. Collection method: clinical testing. Allele origin: germline.

Women's Health and Genetics/Laboratory Corporation of America, LabCorp
Classification: Likely benign. Last evaluated: 2024-06-24. Review status: criteria provided, single submitter. Criteria: LabCorp Variant Classification Summary - May 2015. Collection method: clinical testing. Allele origin: germline.

Personalized Diabetes Medicine Program, University of Maryland School of Medicine
Classification: Benign for Monogenic diabetes. Last evaluated: 2019-01-25. Review status: criteria provided, single submitter. Criteria: ACMG Guidelines, 2015. Collection method: research. Allele origin: unknown. Observed: 19 variant alleles, 19 heterozygotes.
Comment: ACMG criteria: BA1 (6.8% MAF in gnomAD Africans, 4.5% in Asians, 4% in Latinos, overall 1.5%)= benign (REVEL 0.502+3 predictors benign+7 predictors pathogenic= conflicting evidence, not using)

GeneDx
Classification: Benign. Last evaluated: 2018-09-06. Review status: criteria provided, single submitter. Criteria: GeneDx Variant Classification Process June 2021. Collection method: clinical testing. Allele origin: germline. Affected: yes.

Genetic Services Laboratory, University of Chicago
Classification: Benign for AllHighlyPenetrant. Last evaluated: 2013-03-05. Review status: criteria provided, single submitter. Criteria: ACMG Guidelines, 2007. Collection method: clinical testing. Allele origin: germline. Inheritance: Autosomal dominant inheritance.

Breakthrough Genomics
Classification: Benign. Review status: criteria provided, single submitter. Criteria: ACMG Guidelines, 2015. Collection method: not provided. Allele origin: germline. Inheritance: Autosomal dominant inheritance. Affected: yes.

PreventionGenetics, part of Exact Sciences
Classification: Benign for GATA6-related condition. Last evaluated: 2019-07-15. Review status: no assertion criteria provided. Collection method: clinical testing. Allele origin: germline. Not counted in ClinVar's aggregate classification.
Comment: This variant is classified as benign based on ACMG/AMP sequence variant interpretation guidelines (Richards et al. 2015 PMID: 25741868, with internal and published modifications).

Genome Diagnostics Laboratory, University Medical Center Utrecht
Classification: Likely benign. Review status: no assertion criteria provided. Collection method: clinical testing. Allele origin: germline. Affected: yes. Study: VKGL Data-share Consensus. Not counted in ClinVar's aggregate classification.

Joint Genome Diagnostic Labs from Nijmegen and Maastricht, Radboudumc and MUMC+
Classification: Benign. Review status: no assertion criteria provided. Collection method: clinical testing. Allele origin: germline. Affected: yes. Study: VKGL Data-share Consensus. Not counted in ClinVar's aggregate classification.

Laboratory of Diagnostic Genome Analysis, Leiden University Medical Center (LUMC)
Classification: Likely benign. Review status: no assertion criteria provided. Collection method: clinical testing. Allele origin: germline. Affected: yes. Study: VKGL Data-share Consensus. Not counted in ClinVar's aggregate classification.

NM_005257.6(GATA6):c.43G>C (p.Gly15Arg)

Gene: GATA6 (GATA binding protein 6; plus strand). Cytogenetic location: 18q11.2.
Variant type: single nucleotide variant.
Coding change: c.43G>C on transcript NM_005257.6 (MANE Select); coding-DNA position 43, G replaced by C.
Protein change: p.Gly15Arg; replaces glycine 15 with arginine.
Molecular consequence: missense variant.
Genome position (GRCh38, 1-based): chr18:22,171,187, G>C. VCF-style: chr18-22171187-G-C. GRCh37 (hg19) VCF-style: chr18-19751148-G-C.
Other names: short protein forms G15R.
Identifiers: ClinVar variation 129134 (VCV000129134.35), dbSNP rs116262672, ClinGen allele CA152940.